The following is an entry in ClinVar:

NM_001394062.1(MACF1):c.2315G>A (p.Cys772Tyr)

Gene: MACF1 (microtubule actin crosslinking factor 1; plus strand). Cytogenetic location: 1p34.3.
Variant type: single nucleotide variant.
Coding change: c.2315G>A on transcript NM_001394062.1 (MANE Select); coding-DNA position 2315, G replaced by A.
Protein change: p.Cys772Tyr; replaces cysteine 772 with tyrosine.
Molecular consequence: missense variant.
Genome position (GRCh38, 1-based): chr1:39,295,842, G>A. VCF-style: chr1-39295842-G-A. GRCh37 (hg19) VCF-style: chr1-39761514-G-A.
Other names: c.2330G>A, p.Cys777Tyr (NM_012090.5); short protein forms C772Y, C777Y.
Identifiers: ClinVar variation 1878673 (VCV001878673.2), dbSNP rs2521518538, ClinGen allele CA339768900.

ClinVar aggregate classification (germline): Uncertain significance (1 of 4 stars; one submission).

Submission:

GeneDx
Classification: Uncertain significance. Last evaluated: 2025-11-21. Review status: criteria provided, single submitter. Criteria: GeneDx Variant Classification Process June 2021. Collection method: clinical testing. Allele origin: germline. Affected: yes.
Comment: Not observed at significant frequency in large population cohorts (gnomAD); In silico analysis supports that this missense variant has a deleterious effect on protein structure/function; Has not been previously published as pathogenic or benign to our knowledge